The following is an entry in ClinVar:

ClinVar aggregate classification (germline): Uncertain significance. Review status: criteria provided, multiple submitters, no conflicts (2 of 4 stars). 3 submissions from 2 submitters: Uncertain significance (3). Last evaluated 2025-01-15.

Conditions:
Weill-Marchesani syndrome. Also called: WM Syndrome; Mesodermal dysmorphodystrophy congenital. Identifiers: Orphanet 3449, MedGen C0265313, MONDO:0018096.
Glaucoma 3, primary congenital, D. Identifiers: Orphanet 98976, MedGen C2751316, MONDO:0013122, OMIM 613086.

Allele frequency attached by ClinVar (database versions not stated): gnomAD exomes 0.00001; TOPMed 0.00002; gnomAD 0.00004.
gnomAD v4.1: 15 of 1,613,096 alleles (0.00093%); highest among the groups gnomAD compares: African/African-American, 0.0067%; no homozygotes.

Submissions (3):

Labcorp Genetics (formerly Invitae), Labcorp
Classification: Uncertain significance. Last evaluated: 2025-01-15. Review status: criteria provided, single submitter. Criteria: Invitae Variant Classification Sherloc (09022015). Collection method: clinical testing. Allele origin: germline.
Comment: This sequence change replaces alanine, which is neutral and non-polar, with threonine, which is neutral and polar, at codon 733 of the LTBP2 protein (p.Ala733Thr). This variant is present in population databases (no rsID available, gnomAD 0.01%). This variant has not been reported in the literature in individuals affected with LTBP2-related conditions. ClinVar contains an entry for this variant (Variation ID: 888000). An algorithm developed to predict the effect of missense changes on protein structure and function (PolyPhen-2) suggests that this variant¬†is likely to be tolerated. In summary, the available evidence is currently insufficient to determine the role of this variant in disease. Therefore, it has been classified as a Variant of Uncertain Significance.

Illumina Laboratory Services, Illumina
Classification: Uncertain significance for Glaucoma 3, primary congenital, D. Last evaluated: 2018-01-13. Review status: criteria provided, single submitter. Criteria: ICSL Variant Classification Criteria 13 December 2019. Collection method: clinical testing. Allele origin: germline.

Illumina Laboratory Services, Illumina
Classification: Uncertain significance for Weill-Marchesani syndrome. Last evaluated: 2018-01-13. Review status: criteria provided, single submitter. Criteria: ICSL Variant Classification Criteria 13 December 2019. Collection method: clinical testing. Allele origin: germline.

NM_000428.3(LTBP2):c.2197G>A (p.Ala733Thr)

Gene: LTBP2 (latent transforming growth factor beta binding protein 2; minus strand). Cytogenetic location: 14q24.3.
Variant type: single nucleotide variant.
Coding change: c.2197G>A on transcript NM_000428.3 (MANE Select); coding-DNA position 2197, G replaced by A.
Protein change: p.Ala733Thr; replaces alanine 733 with threonine.
Molecular consequence: missense variant.
Genome position (GRCh38, 1-based): chr14:74,528,654, C>T on the plus strand (G>A on the coding strand, the complement: LTBP2 is on the minus strand). VCF-style: chr14-74528654-C-T. GRCh37 (hg19) VCF-style: chr14-74995357-C-T.
Other names: short protein forms A733T.
Identifiers: ClinVar variation 888000 (VCV000888000.5), dbSNP rs925483356, ClinGen allele CA263592971.